The following is an entry in ClinVar:

NM_018706.7(DHTKD1):c.1309G>A (p.Glu437Lys)

Gene: DHTKD1 (dehydrogenase E1 and transketolase domain containing 1; plus strand). Cytogenetic location: 10p14.
Variant type: single nucleotide variant.
Coding change: c.1309G>A on transcript NM_018706.7 (MANE Select); coding-DNA position 1309, G replaced by A.
Protein change: p.Glu437Lys; replaces glutamic acid 437 with lysine.
Molecular consequence: missense variant.
Genome position (GRCh38, 1-based): chr10:12,094,222, G>A. VCF-style: chr10-12094222-G-A. GRCh37 (hg19) VCF-style: chr10-12136221-G-A.
Other names: short protein forms E437K.
Identifiers: ClinVar variation 4882491 (VCV004882491.2).

ClinVar aggregate classification (germline): Uncertain significance (1 of 4 stars; one submission).

Conditions:
Charcot-Marie-Tooth disease axonal type 2Q. Also called: CHARCOT-MARIE-TOOTH DISEASE, AXONAL, AUTOSOMAL DOMINANT, TYPE 2Q; CHARCOT-MARIE-TOOTH NEUROPATHY, TYPE 2Q. Identifiers: Orphanet 329258, MedGen C3554366, MONDO:0014012, OMIM 615025.

gnomAD v4.1: 1 of 1,614,144 alleles (0.000062%); highest among the groups gnomAD compares: African/African-American, 0.0013%; no homozygotes.

Submission:

Dasa
Classification: Uncertain significance for Charcot-Marie-Tooth disease axonal type 2Q. Last evaluated: 2025-12-13. Review status: criteria provided, single submitter. Criteria: DASA Assertion Criteria. Collection method: clinical testing. Allele origin: germline.
Comment: NM_018706.7(DHTKD1):c.1309G>A (p.Glu437Lys) is a missense variant that results in the substitution of glutamic acid with lysine. This variant is rare in population databases. Computational prediction algorithms are consistent with a deleterious effect. The currently available literature and clinical evidence are not sufficient to establish a definitive association between this variant and the reported condition. Therefore, this variant is classified as a variant of uncertain significance.